The following is an entry in ClinVar:

NM_000393.5(COL5A2):c.370-301G>A

Gene: COL5A2 (collagen type V alpha 2 chain; minus strand). Cytogenetic location: 2q32.2.
Variant type: single nucleotide variant.
Coding change: c.370-301G>A on transcript NM_000393.5 (MANE Select); 301 bases into the intron before coding-DNA position 370, G replaced by A.
Molecular consequence: intron variant.
Genome position (GRCh38, 1-based): chr2:189,099,060, C>T on the plus strand (G>A on the coding strand, the complement: COL5A2 is on the minus strand). VCF-style: chr2-189099060-C-T. GRCh37 (hg19) VCF-style: chr2-189963786-C-T.
Identifiers: ClinVar variation 681248 (VCV000681248.1), dbSNP rs55850163, ClinGen allele CA11306291.

ClinVar aggregate classification (germline): Benign (1 of 4 stars; one submission).

Allele frequency attached by ClinVar (database versions not stated): 1000 Genomes Project 30x 0.12804; TOPMed 0.12944; gnomAD 0.13057 and 0.13229; 1000 Genomes Project 0.13099.
gnomAD v4.1: 20,207 of 152,126 alleles (13%); highest among the groups gnomAD compares: Middle Eastern, 19%; 1,374 homozygotes.

Submission:

GeneDx
Classification: Benign. Last evaluated: 2018-06-14. Review status: criteria provided, single submitter. Criteria: GeneDx Variant Classification (06012015). Collection method: clinical testing. Allele origin: germline. Affected: yes.
Comment: This variant is considered likely benign or benign based on one or more of the following criteria: it is a conservative change, it occurs at a poorly conserved position in the protein, it is predicted to be benign by multiple in silico algorithms, and/or has population frequency not consistent with disease.